The following is an entry in ClinVar:

NM_003104.6(SORD):c.481G>A (p.Gly161Arg)

Gene: SORD (sorbitol dehydrogenase; plus strand). Cytogenetic location: 15q21.1.
Variant type: single nucleotide variant.
Coding change: c.481G>A on transcript NM_003104.6 (MANE Select); coding-DNA position 481, G replaced by A.
Protein change: p.Gly161Arg; replaces glycine 161 with arginine.
Molecular consequence: missense variant. On other transcripts: non-coding transcript variant (1).
Genome position (GRCh38, 1-based): chr15:45,065,326, G>A. VCF-style: chr15-45065326-G-A. GRCh37 (hg19) VCF-style: chr15-45357524-G-A.
Other names: p.Gly161Arg; short protein forms G161R.
Identifiers: ClinVar variation 3380282 (VCV003380282.1).

ClinVar aggregate classification (germline): Uncertain significance (1 of 4 stars; one submission).

Submission:

Mayo Clinic Laboratories, Mayo Clinic
Classification: Uncertain significance. Last evaluated: 2023-11-27. Review status: criteria provided, single submitter. Criteria: ACMG Guidelines, 2015. Collection method: clinical testing. Allele origin: germline. Observed: 1 variant allele.
Comment: PM2_moderate